The following is an entry in ClinVar:

ClinVar aggregate classification (germline): Uncertain significance (1 of 4 stars; one submission).

Conditions:
Pilarowski-Bjornsson syndrome. Also called: DEVELOPMENTAL DELAY AND SPEECH APRAXIA WITH OR WITHOUT SEIZURES. Identifiers: Orphanet 529965, MedGen C4540131, MONDO:0060568, OMIM 617682.

Submission:

Foundation for Research in Genetics and Endocrinology, FRIGE's Institute of Human Genetics
Classification: Uncertain significance for Pilarowski-Bjornsson syndrome. Last evaluated: 2023-09-26. Review status: criteria provided, single submitter. Criteria: ACMG Guidelines, 2015. Collection method: clinical testing. Allele origin: germline. Inheritance: Autosomal dominant inheritance. Affected: yes. Observed: 1 heterozygote.
Comment: A heterozygous missense variation in exon 35 of the CHD1 gene that results in the amino acid substitution of Cysteine for Serine at codon 1571 (p.Ser1571Cys) was detected. The variant has not been reported in the 1000 genomes, gnomAD (v3.1), gnomdAD (v2) and topmed databases. The in-silico predictions of the variant are probably damaging by PolyPhen-2 (HumDiv), damaging by SIFT. The reference codon is conserved across species. In summary, the variant meets our criteria to be classified as variant of uncertain significance.

NM_001270.4(CHD1):c.4712C>G (p.Ser1571Cys)

Gene: CHD1 (chromodomain helicase DNA binding protein 1; minus strand). Cytogenetic location: 5q15.
Variant type: single nucleotide variant.
Coding change: c.4712C>G on transcript NM_001270.4 (MANE Select); coding-DNA position 4712, C replaced by G.
Protein change: p.Ser1571Cys; replaces serine 1571 with cysteine.
Molecular consequence: missense variant. On other transcripts: non-coding transcript variant (2).
Genome position (GRCh38, 1-based): chr5:98,858,255, G>C on the plus strand (C>G on the coding strand, the complement: CHD1 is on the minus strand). VCF-style: chr5-98858255-G-C. GRCh37 (hg19) VCF-style: chr5-98193959-G-C.
Other names: p.Ser1571Cys; c.4976C>G, p.Ser1659Cys (NM_001364113.3); c.4712C>G, p.Ser1571Cys (NM_001376194.2); short protein forms S1571C, S1659C.
Identifiers: ClinVar variation 2582297 (VCV002582297.2), dbSNP rs2479331151, ClinGen allele CA360516178.